The following is an entry in ClinVar:

NM_014049.5(ACAD9):c.11G>T (p.Cys4Phe)

Gene: ACAD9 (acyl-CoA dehydrogenase family member 9; plus strand). Cytogenetic location: 3q21.3.
Variant type: single nucleotide variant.
Coding change: c.11G>T on transcript NM_014049.5 (MANE Select); coding-DNA position 11, G replaced by T.
Protein change: p.Cys4Phe; replaces cysteine 4 with phenylalanine.
Molecular consequence: missense variant. On other transcripts: non-coding transcript variant (1).
Genome position (GRCh38, 1-based): chr3:128,879,702, G>T. VCF-style: chr3-128879702-G-T. GRCh37 (hg19) VCF-style: chr3-128598545-G-T.
Other names: p.C4F:TGC>TTC; short protein forms C4F.
Identifiers: ClinVar variation 213994 (VCV000213994.1), dbSNP rs863223872, ClinGen allele CA325072.
Genomic context (GRCh38, chr3:128,879,702, plus strand): 5'-CGGCGCTAAGAAGGGGAGACTGAGGCTGAGGCTGGGGAACATCGGGCAGCATGAGCGGCT[G>T]CGGGCTCTTCCTGCGCACCACGGCTGCGGCTCGTGCCTGCCGGGGTCTGGTGGTCTCTAC-3'
Protein context (NP_054768.2, residues 1-14): MSG[Cys4Phe]GLFLRTTAAA

ClinVar aggregate classification (germline): Likely benign (1 of 4 stars; one submission).

Allele frequency attached by ClinVar (database versions not stated): TOPMed below 0.00001.

Submission:

GeneDx
Classification: Likely benign. Last evaluated: 2012-12-03. Review status: criteria provided, single submitter. Criteria: GeneDx Variant Classification (06012015). Collection method: clinical testing. Allele origin: germline. Affected: yes.
Comment: This variant is considered likely benign or benign based on one or more of the following criteria: it is a conservative change, it occurs at a poorly conserved position in the protein, it is predicted to be benign by multiple in silico algorithms, and/or has population frequency not consistent with disease.